The following is an entry in ClinVar:

ClinVar aggregate classification (germline): Uncertain significance (1 of 4 stars; one submission).

Conditions:
Hereditary spastic paraplegia 7 (SPG7). Also called: Spastic paraplegia 7; Hereditary spastic paraplegia Paraplegin type; SPG7-related neurologic disorder; SPASTIC PARAPLEGIA 7, AUTOSOMAL RECESSIVE, WITH OR WITHOUT CEREBELLAR ATAXIA; Autosomal recessive spastic paraplegia type 7. Identifiers: Orphanet 99013, MedGen C1846564, MONDO:0011803, OMIM 607259.

Allele frequency attached by ClinVar (database versions not stated): ExAC 0.00005; TOPMed 0.00001; gnomAD 0.00002.
gnomAD v4.1: 36 of 1,608,940 alleles (0.0022%); highest among the groups gnomAD compares: Admixed American, 0.0083%; no homozygotes.

Submissions (2):

Labcorp Genetics (formerly Invitae), Labcorp
Classification: Uncertain significance for Hereditary spastic paraplegia 7. Last evaluated: 2025-07-22. Review status: criteria provided, single submitter. Criteria: Invitae Variant Classification Sherloc (09022015). Collection method: clinical testing. Allele origin: germline.
Comment: This sequence change replaces arginine, which is basic and polar, with tryptophan, which is neutral and slightly polar, at codon 486 of the SPG7 protein (p.Arg486Trp). This variant is present in population databases (rs779616855, gnomAD 0.005%). This variant has not been reported in the literature in individuals affected with SPG7-related conditions. ClinVar contains an entry for this variant (Variation ID: 2071190). Invitae Evidence Modeling of protein sequence and biophysical properties (such as structural, functional, and spatial information, amino acid conservation, physicochemical variation, residue mobility, and thermodynamic stability) indicates that this missense variant is not expected to disrupt SPG7 protein function with a negative predictive value of 80%. In summary, the available evidence is currently insufficient to determine the role of this variant in disease. Therefore, it has been classified as a Variant of Uncertain Significance.

Dr. Peter K. Rogan Lab, Western University
No classification provided (evidence only). Condition: Thyroid cancer, nonmedullary, 1. Review status: no classification provided. Collection method: in vitro. Allele origin: not applicable. Functional consequence: retained intron. Not counted in ClinVar's aggregate classification.

NM_003119.4(SPG7):c.1456C>T (p.Arg486Trp)

Gene: SPG7 (SPG7 matrix AAA peptidase subunit, paraplegin; plus strand). Cytogenetic location: 16q24.3.
Variant type: single nucleotide variant.
Coding change: c.1456C>T on transcript NM_003119.4 (MANE Select); coding-DNA position 1456, C replaced by T.
Protein change: p.Arg486Trp; replaces arginine 486 with tryptophan.
Molecular consequence: missense variant.
Genome position (GRCh38, 1-based): chr16:89,546,664, C>T. VCF-style: chr16-89546664-C-T. GRCh37 (hg19) VCF-style: chr16-89613072-C-T.
Other names: c.1456C>T, p.Arg486Trp (NM_001363850.1); short protein forms R486W.
Identifiers: ClinVar variation 2071190 (VCV002071190.5), dbSNP rs779616855, ClinGen allele CA8244219.
Genomic context (GRCh38, chr16:89,546,664, plus strand): 5'-TGTGGCAGTAACTAGGCTTGAGCCCGACTGTCTTTCCTCCCCTGGTTCTGGCAGGAGAGG[C>T]GGGAGATTTTTGAGCAGCACCTGAAGAGCCTGAAGCTGACCCAGTCCAGCACCTTTTACT-3'
Protein context (NP_003110.1, residues 476-496): FIDLPTLQER[Arg486Trp]EIFEQHLKSL